The following is an entry in ClinVar:

NM_000044.6(AR):c.172_173insTGCAGCAGCAGCAGCAGC (p.Leu57_Gln58insLeuGlnGlnGlnGlnGln)

Genes: AR (androgen receptor; plus strand), LOC109504725 (androgen receptor repeat instability region; plus strand). Cytogenetic location: Xq12.
Variant type: Insertion.
Coding change: c.172_173insTGCAGCAGCAGCAGCAGC on transcript NM_000044.6 (MANE Select); coding-DNA positions 172 to 173, TGCAGCAGCAGCAGCAGC inserted.
Protein change: p.Leu57_Gln58insLeuGlnGlnGlnGlnGln.
Molecular consequence: inframe insertion. On other transcripts: 5 prime UTR variant (1), inframe indel (1).
Genome position: GRCh38 VCF-style: chrX-67545316-T-TGCTGCAGCAGCAGCAGCA. GRCh37 (hg19) VCF-style: chrX-66765158-T-TGCTGCAGCAGCAGCAGCA.
Other names: c.-1612_-1611insTGCAGCAGCAGCAGCAGC (NM_001011645.3); c.172_173insTGCAGCAGCAGCAGCAGC, p.Leu57_Gln58insLeuGlnGlnGlnGlnGln (NM_001348061.1, NM_001348063.1, NM_001348064.1 and 1 more transcripts).
Identifiers: ClinVar variation 2580093 (VCV002580093.1), dbSNP rs1206863775, ClinGen allele CA1133902049.

ClinVar aggregate classification (germline): Uncertain significance (1 of 4 stars; one submission).

Submission:

GeneDx
Classification: Uncertain significance. Last evaluated: 2023-03-17. Review status: criteria provided, single submitter. Criteria: GeneDx Variant Classification Process June 2021. Collection method: clinical testing. Allele origin: germline. Affected: yes.
Comment: Not observed at significant frequency in large population cohorts (gnomAD); In-frame insertion of 6 amino acids in a repetitive region with no known function; Has not been previously published as pathogenic or benign to our knowledge